The following is an entry in ClinVar:

NM_003820.4(TNFRSF14):c.305-476C>T

Gene: TNFRSF14 (TNF receptor superfamily member 14; plus strand). Cytogenetic location: 1p36.32.
Variant type: single nucleotide variant.
Coding change: c.305-476C>T on transcript NM_003820.4 (MANE Select); 476 bases into the intron before coding-DNA position 305, C replaced by T.
Molecular consequence: intron variant.
Genome position (GRCh38, 1-based): chr1:2,559,347, C>T. VCF-style: chr1-2559347-C-T. GRCh37 (hg19) VCF-style: chr1-2490786-C-T.
Other names: c.305-476C>T (NM_001297605.2).
Identifiers: ClinVar variation 133400 (VCV000133400.1), dbSNP rs535767072, ClinGen allele CA156492.

ClinVar aggregate classification (germline): not provided (0 of 4 stars; one submission).

Allele frequency attached by ClinVar (database versions not stated): ExAC 0.00009; gnomAD exomes 0.00013 and 0.00033; 1000 Genomes Project 0.00020; TOPMed 0.00020; gnomAD 0.00022 and 0.00024; 1000 Genomes Project 30x 0.00031.
gnomAD v4.1: 434 of 1,374,980 alleles (0.032%); highest among the groups gnomAD compares: Non-Finnish European, 0.04%; no homozygotes.

Submission:

ITMI
No classification provided. Condition: AllHighlyPenetrant. Last evaluated: 2013-09-19. Review status: no classification provided. Collection method: reference population. Allele origin: germline.
Comment: Please see associated publication for description of ethnicities

Literature cited by the submitters: PubMed 24728327.